The following is an entry in ClinVar:

ClinVar aggregate classification (germline): Uncertain significance. Review status: criteria provided, multiple submitters, no conflicts (2 of 4 stars). 3 submissions from 3 submitters: Uncertain significance (3). Last evaluated 2021-07-12.

Conditions:
Inborn genetic diseases. Identifiers: MedGen C0950123, MeSH D030342.

Allele frequency attached by ClinVar (database versions not stated): ExAC 0.00006; gnomAD exomes 0.00006; TOPMed 0.00008; gnomAD 0.00009.

Submissions (3):

Labcorp Genetics (formerly Invitae), Labcorp
Classification: Uncertain significance. Last evaluated: 2021-07-12. Review status: criteria provided, single submitter. Criteria: Invitae Variant Classification Sherloc (09022015). Collection method: clinical testing. Allele origin: germline.
Comment: This sequence change replaces glutamic acid with lysine at codon 383 of the H6PD protein (p.Glu383Lys). The glutamic acid residue is highly conserved and there is a small physicochemical difference between glutamic acid and lysine. This variant is present in population databases (rs768856168, ExAC 0.02%). This variant has not been reported in the literature in individuals with H6PD-related conditions. Algorithms developed to predict the effect of missense changes on protein structure and function are either unavailable or do not agree on the potential impact of this missense change (SIFT: "Deleterious"; PolyPhen-2: "Benign"; Align-GVGD: "Class C0"). In summary, the available evidence is currently insufficient to determine the role of this variant in disease. Therefore, it has been classified as a Variant of Uncertain Significance.

Ambry Genetics
Classification: Uncertain significance for Inborn genetic diseases. Last evaluated: 2021-06-18. Review status: criteria provided, single submitter. Criteria: Ambry Variant Classification Scheme 2023. Collection method: clinical testing. Allele origin: germline.

Breakthrough Genomics
Classification: Uncertain significance. Review status: criteria provided, single submitter. Criteria: ACMG Guidelines, 2015. Collection method: not provided. Allele origin: germline. Inheritance: Autosomal recessive inheritance. Affected: yes.

NM_004285.4(H6PD):c.1147G>A (p.Glu383Lys)

Gene: H6PD (hexose-6-phosphate dehydrogenase/glucose 1-dehydrogenase; plus strand). Cytogenetic location: 1p36.22.
Variant type: single nucleotide variant.
Coding change: c.1147G>A on transcript NM_004285.4 (MANE Select); coding-DNA position 1147, G replaced by A.
Protein change: p.Glu383Lys; replaces glutamic acid 383 with lysine.
Molecular consequence: missense variant.
Genome position (GRCh38, 1-based): chr1:9,263,640, G>A. VCF-style: chr1-9263640-G-A. GRCh37 (hg19) VCF-style: chr1-9323699-G-A.
Other names: c.1147G>A (NM_004285.3); c.1180G>A, p.Glu394Lys (NM_001282587.2); short protein forms E383K, E394K.
Identifiers: ClinVar variation 1496625 (VCV001496625.10), dbSNP rs768856168, ClinGen allele CA575215.